The following is an entry in ClinVar:

ClinVar aggregate classification (germline): Pathogenic (1 of 4 stars; one submission).

Submission:

Labcorp Genetics (formerly Invitae), Labcorp
Classification: Pathogenic. Last evaluated: 2022-10-16. Review status: criteria provided, single submitter. Criteria: Invitae Variant Classification Sherloc (09022015). Collection method: clinical testing. Allele origin: germline.
Comment: For these reasons, this variant has been classified as Pathogenic. Algorithms developed to predict the effect of sequence changes on RNA splicing suggest that this variant may disrupt the consensus splice site. This variant has not been reported in the literature in individuals affected with PHEX-related conditions. This variant is not present in population databases (gnomAD no frequency). This sequence change creates a premature translational stop signal (p.Tyr571*) in the PHEX gene. It is expected to result in an absent or disrupted protein product. Loss-of-function variants in PHEX are known to be pathogenic (PMID: 9097956, 9106524, 19219621).

Literature cited by the submitters: PubMed 9097956; PubMed 9106524; PubMed 19219621.

NM_000444.6(PHEX):c.1709_1712dup (p.Tyr571Ter)

Genes: PHEX (phosphate regulating endopeptidase X-linked; plus strand), PTCHD1-AS (PTCHD1 and PHEX antisense RNA; minus strand). Cytogenetic location: Xp22.11.
Variant type: Duplication.
Coding change: c.1709_1712dup on transcript NM_000444.6 (MANE Select); coding-DNA positions 1709 to 1712, 4 bases duplicated (GTTA; older notation c.1709_1712dupGTTA).
Protein change: p.Tyr571Ter; replaces tyrosine 571 with a stop codon.
Molecular consequence: nonsense.
Genome position (GRCh38, 1-based): chrX:22,219,044-22,219,047, GTTA duplicated; duplicating any 4 consecutive bases within chrX:22,219,043-22,219,047 gives the same sequence; the c. name uses the placement nearest the transcript's 3' end. VCF-style (leftmost placement, unchanged base first): chrX-22219042-G-GAGTT. GRCh37 (hg19) VCF-style: chrX-22237159-G-GAGTT.
Other names: c.1709_1712dup, p.Tyr571Ter (NM_001282754.2); short protein forms Y571*.
Identifiers: ClinVar variation 2035809 (VCV002035809.4), dbSNP rs2518660026, ClinGen allele CA2580100478.